The following is an entry in ClinVar:

ClinVar aggregate classification (germline): Uncertain significance. Review status: criteria provided, multiple submitters, no conflicts (2 of 4 stars). 2 submissions from 2 submitters: Uncertain significance (2). Last evaluated 2025-03-28.

Allele frequency attached by ClinVar (database versions not stated): gnomAD exomes below 0.00001; gnomAD 0.00001.
gnomAD v4.1: 3 of 1,594,058 alleles (0.00019%); highest among the groups gnomAD compares: African/African-American, 0.0041%; no homozygotes.

Submissions (2):

Ambry Genetics
Classification: Uncertain significance. Last evaluated: 2025-03-28. Review status: criteria provided, single submitter. Criteria: Ambry Variant Classification Scheme 2023. Collection method: clinical testing. Allele origin: germline.
Comment: The p.A8E variant (also known as c.23C>A), located in coding exon 1 of the FAM175A gene, results from a C to A substitution at nucleotide position 23. The alanine at codon 8 is replaced by glutamic acid, an amino acid with dissimilar properties. This amino acid position is conserved. In addition, the in silico prediction for this alteration is inconclusive. Since supporting evidence is limited at this time, the clinical significance of this alteration remains unclear.

Labcorp Genetics (formerly Invitae), Labcorp
Classification: Uncertain significance. Last evaluated: 2022-12-17. Review status: criteria provided, single submitter. Criteria: Invitae Variant Classification Sherloc (09022015). Collection method: clinical testing. Allele origin: germline.
Comment: In summary, the available evidence is currently insufficient to determine the role of this variant in disease. Therefore, it has been classified as a Variant of Uncertain Significance. Advanced modeling of protein sequence and biophysical properties (such as structural, functional, and spatial information, amino acid conservation, physicochemical variation, residue mobility, and thermodynamic stability) performed at Invitae indicates that this missense variant is expected to disrupt ABRAXAS1 protein function. This variant has not been reported in the literature in individuals affected with ABRAXAS1-related conditions. This variant is present in population databases (no rsID available, gnomAD 0.01%). This sequence change replaces alanine, which is neutral and non-polar, with glutamic acid, which is acidic and polar, at codon 8 of the ABRAXAS1 protein (p.Ala8Glu).

NM_139076.3(ABRAXAS1):c.23C>A (p.Ala8Glu)

Genes: ABRAXAS1 (abraxas 1, BRCA1 A complex subunit; minus strand), LOC129992784 (ATAC-STARR-seq lymphoblastoid silent region 15542; plus strand). Cytogenetic location: 4q21.23.
Variant type: single nucleotide variant.
Coding change: c.23C>A on transcript NM_139076.3 (MANE Select); coding-DNA position 23, C replaced by A.
Protein change: p.Ala8Glu; replaces alanine 8 with glutamic acid.
Molecular consequence: missense variant. On other transcripts: 5 prime UTR variant (1).
Genome position (GRCh38, 1-based): chr4:83,485,050, G>T on the plus strand (C>A on the coding strand, the complement: ABRAXAS1 is on the minus strand). VCF-style: chr4-83485050-G-T. GRCh37 (hg19) VCF-style: chr4-84406203-G-T.
Other names: c.-238C>A (NM_001345962.2); short protein forms A8E.
Identifiers: ClinVar variation 2450191 (VCV002450191.6), dbSNP rs1484318861, ClinGen allele CA357264066.